The following is an entry in ClinVar:

NM_004260.4(RECQL4):c.1442T>C (p.Phe481Ser)

Gene: RECQL4 (RecQ like helicase 4; minus strand). Cytogenetic location: 8q24.3.
Variant type: single nucleotide variant.
Coding change: c.1442T>C on transcript NM_004260.4 (MANE Select); coding-DNA position 1442, T replaced by C.
Protein change: p.Phe481Ser; replaces phenylalanine 481 with serine.
Molecular consequence: missense variant.
Genome position (GRCh38, 1-based): chr8:144,515,191, A>G on the plus strand (T>C on the coding strand, the complement: RECQL4 is on the minus strand). VCF-style: chr8-144515191-A-G. GRCh37 (hg19) VCF-style: chr8-145740575-A-G.
Other names: c.1442T>C (NM_004260.3); short protein forms F481S.
Identifiers: ClinVar variation 1006324 (VCV001006324.4), dbSNP rs1586816237, ClinGen allele CA372684769.
Genomic context (GRCh38, chr8:144,515,191, plus strand): 5'-CCCTGGCAGCCACGCTCACCAGACAGGATCCGCATGACTGCACGCTCCTGCCCAGGGCGA[A>G]AGGCTTGGTGCCCCAGCTGCTCCAGGGCCTGGAACACCTCAGCCGGCGTCTCTGCAGACA-3'
Protein context (NP_004251.4, residues 471-491): QALEQLGHQA[Phe481Ser]RPGQERAVMR

ClinVar aggregate classification (germline): Uncertain significance. Review status: criteria provided, multiple submitters, no conflicts (2 of 4 stars). 2 submissions from 2 submitters: Uncertain significance (2). Last evaluated 2026-02-24.

Conditions:
Baller-Gerold syndrome (BGS). Also called: CRANIOSYNOSTOSIS WITH RADIAL DEFECTS. Identifiers: Orphanet 1225, MedGen C0265308, MONDO:0009039, OMIM 218600.
Inborn genetic diseases. Identifiers: MedGen C0950123, MeSH D030342.

Submissions (2):

Ambry Genetics
Classification: Uncertain significance for Inborn genetic diseases. Last evaluated: 2026-02-24. Review status: criteria provided, single submitter. Criteria: Ambry Variant Classification Scheme 2023. Collection method: clinical testing. Allele origin: germline.
Comment: The p.F481S variant (also known as c.1442T>C), located in coding exon 8 of the RECQL4 gene, results from a T to C substitution at nucleotide position 1442. The phenylalanine at codon 481 is replaced by serine, an amino acid with highly dissimilar properties. This amino acid position is conserved. In addition, this alteration is predicted to be deleterious by in silico analysis. Based on the available evidence, the clinical significance of this variant remains unclear.

Labcorp Genetics (formerly Invitae), Labcorp
Classification: Uncertain significance for Baller-Gerold syndrome. Last evaluated: 2020-02-12. Review status: criteria provided, single submitter. Criteria: Invitae Variant Classification Sherloc (09022015). Collection method: clinical testing. Allele origin: germline.
Comment: This variant is not present in population databases (ExAC no frequency). This variant has not been reported in the literature in individuals with RECQL4-related conditions. Experimental studies and prediction algorithms are not available or were not evaluated, and the functional significance of this variant is currently unknown. In summary, the available evidence is currently insufficient to determine the role of this variant in disease. Therefore, it has been classified as a Variant of Uncertain Significance. This sequence change replaces phenylalanine with serine at codon 481 of the RECQL4 protein (p.Phe481Ser). The phenylalanine residue is highly conserved and there is a large physicochemical difference between phenylalanine and serine.